The following continues an entry in ClinVar:

NM_007294.4(BRCA1):c.199G>T (p.Asp67Tyr)

Gene: BRCA1. ClinVar aggregate classification (germline): Benign. Benign (1).

Submissions 14 to 24 of 24:

CSER _CC_NCGL, University of Washington
Classification: Uncertain significance for Breast and/or ovarian cancer. Last evaluated: 2014-06-01. Review status: criteria provided, single submitter. Criteria: Amendola et al. (Genome Res. 2015). Collection method: research. Allele origin: germline. Inheritance: Autosomal dominant inheritance. Study: ESP 6500 variant annotation. Not counted in ClinVar's aggregate classification.
Comment: Low GERP score may suggest that this variant may belong in a lower pathogenicity class

Variants classified for the Actionable exomic incidental findings in 6503 participants: challenges of variant classification manuscript

BRCAlab, Lund University
Classification: Benign for Breast-ovarian cancer, familial, susceptibility to, 1. Last evaluated: 2020-03-02. Review status: no assertion criteria provided. Collection method: clinical testing. Allele origin: germline. Affected: yes. Not counted in ClinVar's aggregate classification.

King Laboratory, University of Washington
Classification: Benign. Last evaluated: 2019-09-01. Review status: no assertion criteria provided. Collection method: research. Allele origin: germline. Affected: yes. Not counted in ClinVar's aggregate classification.
Comment: Transcript analysis by cBROCA

Counsyl
Classification: Likely benign for Breast-ovarian cancer, familial 1. Last evaluated: 2014-10-13. Review status: no assertion criteria provided. Collection method: literature only. Allele origin: unknown. Inheritance: Autosomal dominant inheritance. Not counted in ClinVar's aggregate classification.

Sharing Clinical Reports Project (SCRP)
Classification: Uncertain significance for Breast-ovarian cancer, familial 1. Last evaluated: 2007-03-07. Review status: no assertion criteria provided. Collection method: clinical testing. Allele origin: germline. Not counted in ClinVar's aggregate classification.

Breast Cancer Information Core (BIC) (BRCA1)
Classification: Uncertain significance for Breast-ovarian cancer, familial 1. Last evaluated: 2002-05-29. Review status: no assertion criteria provided. Collection method: clinical testing. Allele origin: germline. Affected: yes. Observed: 8 variant alleles. Not counted in ClinVar's aggregate classification.

Brotman Baty Institute, University of Washington
No classification provided (evidence only). Condition: Breast-ovarian cancer, familial 1. Review status: no classification provided. Collection method: in vitro. Allele origin: not applicable. Functional consequence: functionally_normal. Not counted in ClinVar's aggregate classification.
ClinVar note: "not provided" was previously submitted as the classification for the variant. However, the classification appeared to be based only on an observation of functional data so it was converted to no classification on 2025-07-30.

Clinical Genetics DNA and cytogenetics Diagnostics Lab, Erasmus MC, Erasmus Medical Center
Classification: Benign. Review status: no assertion criteria provided. Collection method: clinical testing. Allele origin: germline. Affected: yes. Study: VKGL Data-share Consensus. Not counted in ClinVar's aggregate classification.

Department of Pathology and Laboratory Medicine, Sinai Health System
Classification: Benign for Malignant tumor of breast. Review status: no assertion criteria provided. Collection method: clinical testing. Allele origin: unknown. Affected: yes. Observed: 3 variant alleles. Study: The Canadian Open Genetics Repository (COGR). Not counted in ClinVar's aggregate classification.
Comment: The BRCA1 p.Asp67Tyr variant was identified in 4 of 1760 proband chromosomes from individuals or families with breast or ovarian cancer (Blay 2013, Diez 2003); however, control chromosomes from healthy individuals were not evaluated in these studies. The variant was also identified HGMD, LOVD, the BIC database (8X with unknown clinical importance), and UMD (15X as a neutral variant). In UMD, the variant was found to co-occur with a pathogenic BRCA2 mutation (c.1773_1776delTTAT (p.Ile591MetfsX22)) in one sample, increasing the likelihood that the p.Asp67Tyr variant may not have clinical significance. The variant was listed in dbSNP (ID: rs80357102) â€šÃ„ÃºWith allele of Uncertain significanceâ€šÃ„Ã¹, with a minor allele frequency of 0.0005 (1000 Genomes Project), and in the NHLBI Exome Sequencing Project (Exome Variant Server) in 2 of 8582 European American alleles; however the low number and frequency of this variant in these populations is not substantive enough to determine the prevalence of this variant in the general population. This residue is not conserved in mammals and lower organisms and computational analyses (PolyPhen-2, SIFT, AlignGVGD) provide inconsistent predictions regarding the impact to the protein; this information is not very predictive of pathogenicity. Several function studies found the variant to have a neutral effect on BRCA1 function, including assays evaluating protein binding, homology directed recombination, and single-strand annealing repair (Atipairin 2011, Bouwman 2013, Caleca 2014, Morris 2006, Ransburgh 2010, Towler 2013). One study found that the variant had an intermediate effect on centrosome amplification; however, the authors suggest that this may be on the high end of the normal range (Kais 2012). In addition, two in silico studies using multifactorial probability based models found this variant to be neutral (Easton 2007, Lindor 2012). Furthermore, Myriad classifies this variant as â€šÃ„ÃºFavor polymorphismâ€šÃ„Ã¹ (personal communication). In summary, based on the above information, this variant meets our laboratory's criteria to be classified as benign.

Genome Diagnostics Laboratory, University Medical Center Utrecht
Classification: Benign. Review status: no assertion criteria provided. Collection method: clinical testing. Allele origin: germline. Affected: yes. Study: VKGL Data-share Consensus. Not counted in ClinVar's aggregate classification.

Joint Genome Diagnostic Labs from Nijmegen and Maastricht, Radboudumc and MUMC+
Classification: Benign. Review status: no assertion criteria provided. Collection method: clinical testing. Allele origin: germline. Affected: yes. Study: VKGL Data-share Consensus. Not counted in ClinVar's aggregate classification.

Literature cited by the submitters: PubMed 21990134 (cited by 4 submitters); PubMed 20103620 (cited by 3 submitters); PubMed 23867111 (cited by 3 submitters); PubMed 26332594 (cited by Illumina Laboratory Services, Illumina); PubMed 21725363 (cited by 3 submitters); PubMed 25637381 (cited by Illumina Laboratory Services, Illumina); PubMed 24055113 (cited by Illumina Laboratory Services, Illumina and Counsyl); PubMed 25525159 (cited by Illumina Laboratory Services, Illumina); PubMed 23161852 (cited by 3 submitters); PubMed 27272900 (cited by Illumina Laboratory Services, Illumina and Women's Health and Genetics/Laboratory Corporation of America, LabCorp); PubMed 25823446 (cited by Illumina Laboratory Services, Illumina and Women's Health and Genetics/Laboratory Corporation of America, LabCorp); PubMed 26246475 (cited by Illumina Laboratory Services, Illumina and Women's Health and Genetics/Laboratory Corporation of America, LabCorp); PubMed 22505045 (cited by 3 submitters); PubMed 17924331 (cited by 3 submitters); PubMed 12955716 (cited by 3 submitters); PubMed 20858050 (cited by Illumina Laboratory Services, Illumina and Counsyl); PubMed 16683254 (cited by Women's Health and Genetics/Laboratory Corporation of America, LabCorp); PubMed 16267036 (cited by Women's Health and Genetics/Laboratory Corporation of America, LabCorp); PubMed 20967475 (cited by Women's Health and Genetics/Laboratory Corporation of America, LabCorp and Counsyl); PubMed 21673748 (cited by Women's Health and Genetics/Laboratory Corporation of America, LabCorp and Counsyl); PubMed 21120943 (cited by Women's Health and Genetics/Laboratory Corporation of America, LabCorp); PubMed 24516540 (cited by Women's Health and Genetics/Laboratory Corporation of America, LabCorp); PubMed 16403807 (cited by Women's Health and Genetics/Laboratory Corporation of America, LabCorp and Counsyl); PubMed 11733976 (cited by Women's Health and Genetics/Laboratory Corporation of America, LabCorp); PubMed 23683081 (cited by Women's Health and Genetics/Laboratory Corporation of America, LabCorp); PubMed 31843900 (cited by King Laboratory, University of Washington); PubMed 12203997 (cited by Counsyl).